The following is an entry in ClinVar:

ClinVar aggregate classification (germline): Uncertain significance (1 of 4 stars; one submission).

Conditions:
Myopathy, centronuclear, 2 (CNM2). Also called: MYOTUBULAR MYOPATHY, AUTOSOMAL RECESSIVE. Identifiers: Orphanet 169186, MedGen CN031787, MONDO:0009709, OMIM 255200.

Allele frequency attached by ClinVar (database versions not stated): gnomAD 0.00001; gnomAD exomes 0.00001; ExAC 0.00002.
gnomAD v4.1: 5 of 1,614,012 alleles (0.00031%); highest among the groups gnomAD compares: Non-Finnish European, 0.00042%; no homozygotes.

Submission:

Labcorp Genetics (formerly Invitae), Labcorp
Classification: Uncertain significance for Myopathy, centronuclear, 2. Last evaluated: 2023-04-07. Review status: criteria provided, single submitter. Criteria: Invitae Variant Classification Sherloc (09022015). Collection method: clinical testing. Allele origin: germline.
Comment: In summary, the available evidence is currently insufficient to determine the role of this variant in disease. Therefore, it has been classified as a Variant of Uncertain Significance. Advanced modeling of protein sequence and biophysical properties (such as structural, functional, and spatial information, amino acid conservation, physicochemical variation, residue mobility, and thermodynamic stability) performed at Invitae indicates that this missense variant is not expected to disrupt BIN1 protein function. This sequence change replaces alanine, which is neutral and non-polar, with aspartic acid, which is acidic and polar, at codon 169 of the BIN1 protein (p.Ala169Asp). This variant is present in population databases (rs775335446, gnomAD 0.002%). This variant has not been reported in the literature in individuals affected with BIN1-related conditions.

NM_139343.3(BIN1):c.506C>A (p.Ala169Asp)

Gene: BIN1 (bridging integrator 1; minus strand). Cytogenetic location: 2q14.3.
Variant type: single nucleotide variant.
Coding change: c.506C>A on transcript NM_139343.3 (MANE Select); coding-DNA position 506, C replaced by A.
Protein change: p.Ala169Asp; replaces alanine 169 with aspartic acid.
Molecular consequence: missense variant.
Genome position (GRCh38, 1-based): chr2:127,068,937, G>T on the plus strand (C>A on the coding strand, the complement: BIN1 is on the minus strand). VCF-style: chr2-127068937-G-T. GRCh37 (hg19) VCF-style: chr2-127826513-G-T.
Other names: c.506C>A, p.Ala169Asp (NM_001320632.2, NM_001320633.2, NM_001320640.2 and 10 more transcripts); c.434C>A, p.Ala145Asp (NM_001320634.1); c.425C>A, p.Ala142Asp (NM_001320642.1); short protein forms A145D, A142D, A169D.
Identifiers: ClinVar variation 2756813 (VCV002756813.3), dbSNP rs775335446, ClinGen allele CA1857468.
Genomic context (GRCh38, chr2:127,068,937, plus strand): 5'-CTCTCAGCCCCCTGCAGACGCTGCCCCGACCCGCCTCCAGCCCTTACCTTGGCAATTTTG[G>T]CTTCATCCTTCTTTTTGGCAGTTTGAAGGGACTCGTAGTGGTGCCGGGCACTGTCGTAGT-3'
Protein context (NP_647593.1, residues 159-179): SLQTAKKKDE[Ala169Asp]KIAKPVSLLE